The following is an entry in ClinVar:

NM_001212.4(C1QBP):c.438GGA[1] (p.Glu148del)

Gene: C1QBP (complement C1q binding protein; minus strand). Cytogenetic location: 17p13.2.
Variant type: Microsatellite.
Coding change: c.438GGA[1] on transcript NM_001212.4 (MANE Select); one copy of the 3-base unit GGA starting at c.438; the reference has two copies in a row; one copy, 3 bases deleted.
Protein change: p.Glu148del; deletes glutamic acid 148.
Molecular consequence: inframe deletion.
Genome position (GRCh38, 1-based): chr17:5,434,907-5,434,909, TCC deleted on the plus strand (GGA on the coding strand, the reverse complement: C1QBP is on the minus strand); deleting any 3 consecutive bases within chr17:5,434,907-5,434,914 gives the same sequence; the position shown is the placement nearest the transcript's 3' end. VCF-style (leftmost placement, unchanged base first): chr17-5434906-TTCC-T. GRCh37 (hg19) VCF-style: chr17-5338226-TTCC-T.
Other names: short protein forms E148del.
Identifiers: ClinVar variation 2001985 (VCV002001985.2), dbSNP rs2507766012, ClinGen allele CA2580613966.
Genomic context (GRCh38, chr17:5,434,906, plus strand): 5'-TAAAAGCTGATTATAGTATTAGCTTACCTCCTGTTCTTCAACCTTCTGCCCTTGCGAGGG[TTCC>T]TCCTCACCATCAAATGTTGGTGGGATGCTGTTGTTAATGTTGAAAGTGACCGTGATTCTA-3'

ClinVar aggregate classification (germline): Uncertain significance (1 of 4 stars; one submission).

Submission:

Labcorp Genetics (formerly Invitae), Labcorp
Classification: Uncertain significance. Last evaluated: 2022-06-02. Review status: criteria provided, single submitter. Criteria: Invitae Variant Classification Sherloc (09022015). Collection method: clinical testing. Allele origin: germline.
Comment: This variant has not been reported in the literature in individuals affected with C1QBP-related conditions. In summary, the available evidence is currently insufficient to determine the role of this variant in disease. Therefore, it has been classified as a Variant of Uncertain Significance. Experimental studies and prediction algorithms are not available or were not evaluated, and the functional significance of this variant is currently unknown. This variant is not present in population databases (gnomAD no frequency). This variant, c.441_443del, results in the deletion of 1 amino acid(s) of the C1QBP protein (p.Glu148del), but otherwise preserves the integrity of the reading frame.